The following is an entry in ClinVar:

NM_024426.6(WT1):c.223G>A (p.Gly75Ser)

Genes: WT1 (WT1 transcription factor; minus strand), LOC107982234 (WT1/WT1-AS bi-directional promoter region; plus strand). Cytogenetic location: 11p13.
Variant type: single nucleotide variant.
Coding change: c.223G>A on transcript NM_024426.6 (MANE Select); coding-DNA position 223, G replaced by A.
Protein change: p.Gly75Ser; replaces glycine 75 with serine.
Molecular consequence: missense variant. On other transcripts: non-coding transcript variant (1).
Genome position (GRCh38, 1-based): chr11:32,435,138, C>T on the plus strand (G>A on the coding strand, the complement: WT1 is on the minus strand). VCF-style: chr11-32435138-C-T. GRCh37 (hg19) VCF-style: chr11-32456684-C-T.
Other names: c.223G>A, p.Gly75Ser (NM_000378.6, NM_024424.5); short protein forms G75S.
Identifiers: ClinVar variation 663192 (VCV000663192.12), dbSNP rs528076586, ClinGen allele CA064759.
Genomic context (GRCh38, chr11:32,435,138, plus strand): 5'-CGCCGCCACCCAGGGAGGGGACGGCGGGCAGCAGCGCGTTCAGGTCCCGCACGTCGGAGC[C>T]CATTTGCTGCGGCTCAGACCCGGACGCCCCGCGGCTCCTCCGGCCCTGGAGACGTTCAGC-3'
Protein context (NP_077744.4, residues 65-85): GASGSEPQQM[Gly75Ser]SDVRDLNALL

ClinVar aggregate classification (germline): Conflicting classifications of pathogenicity. Review status: criteria provided, conflicting classifications (1 of 4 stars). 4 submissions from 4 submitters: Uncertain significance (3); Likely benign (1). Last evaluated 2025-05-27.

Conditions:
Drash syndrome (DDS). Also called: WILMS TUMOR AND PSEUDO- OR TRUE HERMAPHRODITISM; NEPHROPATHY, WILMS TUMOR, AND GENITAL ANOMALIES. Identifiers: Orphanet 220, MedGen C0950121, MONDO:0008682, OMIM 194080.
Inborn genetic diseases. Identifiers: MedGen C0950123, MeSH D030342.
Frasier syndrome. Identifiers: Orphanet 347, MedGen C0950122, MeSH D052159, MONDO:0007635, OMIM 136680.
Wilms tumor 1 (WT1). Also called: Wilms tumor, somatic. Identifiers: Orphanet 654, MedGen CN033288, MONDO:0008679, OMIM 194070.
11p partial monosomy syndrome (WAGR). Also called: CHROMOSOME 11p13 DELETION SYNDROME; WAGR Complex; WAGR Spectrum Disorder; WAGR syndrome. Identifiers: Orphanet 893, MedGen C0206115, MONDO:0008681, OMIM 194072.
Mesothelioma, malignant (MESOM). Also called: Malignant mesothelioma (disease). Identifiers: Orphanet 50251, MedGen C0345967, MONDO:0006292, OMIM 156240, HP:0100001.
Aniridia 1 (AN1). Identifiers: Orphanet 250923, MedGen C0344542, MONDO:0024507, OMIM 106210.
Meacham syndrome. Also called: Meacham Winn Culler syndrome. Identifiers: Orphanet 3097, MedGen C1837026, MONDO:0012164, OMIM 608978.
Nephrotic syndrome, type 4 (NPHS4). Also called: Familial mesangial sclerosis; Nephrotic syndrome, early onset with diffuse mesangial sclerosis. Identifiers: Orphanet 656, MedGen C3151568, MONDO:0009733, OMIM 256370.

Allele frequency attached by ClinVar (database versions not stated): ExAC below 0.00001; gnomAD 0.00001 and 0.00002; TOPMed 0.00001; gnomAD exomes 0.00004; 1000 Genomes Project 30x 0.00016; 1000 Genomes Project 0.00020.
gnomAD v4.1: 54 of 1,519,212 alleles (0.0036%); highest among the groups gnomAD compares: South Asian, 0.012%; no homozygotes.

Submissions (4):

Labcorp Genetics (formerly Invitae), Labcorp
Classification: Likely benign for Wilms tumor 1; Drash syndrome; 11p partial monosomy syndrome; Frasier syndrome. Last evaluated: 2025-05-27. Review status: criteria provided, single submitter. Criteria: Invitae Variant Classification Sherloc (09022015). Collection method: clinical testing. Allele origin: germline.

Ambry Genetics
Classification: Uncertain significance for Inborn genetic diseases. Last evaluated: 2024-12-19. Review status: criteria provided, single submitter. Criteria: Ambry Variant Classification Scheme 2023. Collection method: clinical testing. Allele origin: germline.
Comment: The p.G70S variant (also known as c.208G>A), located in coding exon 1 of the WT1 gene, results from a G to A substitution at nucleotide position 208. The glycine at codon 70 is replaced by serine, an amino acid with similar properties. This amino acid position is highly conserved in available vertebrate species. In addition, the in silico prediction for this alteration is inconclusive. Based on the available evidence, the clinical significance of this variant remains unclear.

Baylor Genetics
Classification: Uncertain significance for Drash syndrome. Last evaluated: 2023-10-19. Review status: criteria provided, single submitter. Criteria: ACMG Guidelines, 2015. Collection method: clinical testing. Allele origin: unknown.

Fulgent Genetics
Classification: Uncertain significance for Aniridia 1; Frasier syndrome; Mesothelioma, malignant; Wilms tumor 1; 11p partial monosomy syndrome; Drash syndrome; Nephrotic syndrome, type 4; Meacham syndrome. Last evaluated: 2022-03-28. Review status: criteria provided, single submitter. Criteria: ACMG Guidelines, 2015. Collection method: clinical testing. Allele origin: unknown.